The following is an entry in ClinVar:

NM_000548.5(TSC2):c.5309C>T (p.Pro1770Leu)

Gene: TSC2 (TSC complex subunit 2; plus strand). Cytogenetic location: 16p13.3.
Variant type: single nucleotide variant.
Coding change: c.5309C>T on transcript NM_000548.5 (MANE Select); coding-DNA position 5309, C replaced by T.
Protein change: p.Pro1770Leu; replaces proline 1770 with leucine.
Molecular consequence: missense variant.
Genome position (GRCh38, 1-based): chr16:2,088,495, C>T. VCF-style: chr16-2088495-C-T. GRCh37 (hg19) VCF-style: chr16-2138496-C-T.
Other names: c.5108C>T, p.Pro1703Leu (NM_001077183.3); c.5240C>T, p.Pro1747Leu (NM_001114382.3); c.5000C>T, p.Pro1667Leu (NM_001318827.2); c.4964C>T, p.Pro1655Leu (NM_001318829.2); c.4577C>T, p.Pro1526Leu (NM_001318831.2); c.5141C>T, p.Pro1714Leu (NM_001318832.2); c.5111C>T, p.Pro1704Leu (NM_001363528.2); c.5177C>T, p.Pro1726Leu (NM_001370404.1); and 2 more; short protein forms P1526L, P1703L, P1704L, P1747L, P1770L, P1723L, P1655L, P1667L.
Identifiers: ClinVar variation 854555 (VCV000854555.9), dbSNP rs771357054, ClinGen allele CA394315411.

ClinVar aggregate classification (germline): Conflicting classifications of pathogenicity. Review status: criteria provided, conflicting classifications (1 of 4 stars). 2 submissions from 2 submitters: Uncertain significance (1); Benign (1). Last evaluated 2025-07-16.

Conditions:
Hereditary cancer-predisposing syndrome. Also called: Neoplastic Syndromes, Hereditary; Hereditary Cancer Syndrome; Hereditary neoplastic syndrome; Tumor predisposition. Identifiers: Orphanet 140162, MedGen C0027672, MeSH D009386, MONDO:0015356.
Tuberous sclerosis 2 (TSC2). Identifiers: Orphanet 805, MedGen C1860707, MONDO:0013199, OMIM 613254.

Submissions (2):

Labcorp Genetics (formerly Invitae), Labcorp
Classification: Benign for Tuberous sclerosis 2. Last evaluated: 2025-07-16. Review status: criteria provided, single submitter. Criteria: Invitae Variant Classification Sherloc (09022015). Collection method: clinical testing. Allele origin: germline.

Ambry Genetics
Classification: Uncertain significance for Hereditary cancer-predisposing syndrome. Last evaluated: 2023-07-15. Review status: criteria provided, single submitter. Criteria: Ambry Variant Classification Scheme 2023. Collection method: clinical testing. Allele origin: germline.
Comment: The p.P1770L variant (also known as c.5309C>T), located in coding exon 41 of the TSC2 gene, results from a C to T substitution at nucleotide position 5309. The proline at codon 1770 is replaced by leucine, an amino acid with similar properties. This amino acid position is conserved. In addition, the in silico prediction for this alteration is inconclusive. Since supporting evidence is limited at this time, the clinical significance of this alteration remains unclear.